The following is an entry in ClinVar:

ClinVar aggregate classification (germline): Likely benign (0 of 4 stars; one submission).

Conditions:
EPOR-related disorder. Also called: EPOR-related condition.

Allele frequency attached by ClinVar (database versions not stated): ExAC 0.00005; TOPMed 0.00005; gnomAD 0.00009; ESP Exome Variant Server 0.00015.
gnomAD v4.1: 105 of 1,613,918 alleles (0.0065%); highest among the groups gnomAD compares: Non-Finnish European, 0.0085%; no homozygotes.

Submission:

PreventionGenetics, part of Exact Sciences
Classification: Likely benign for EPOR-related condition. Last evaluated: 2019-03-22. Review status: no assertion criteria provided. Collection method: clinical testing. Allele origin: germline.
Comment: This variant is classified as likely benign based on ACMG/AMP sequence variant interpretation guidelines (Richards et al. 2015 PMID: 25741868, with internal and published modifications).

NM_000121.4(EPOR):c.1236G>A (p.Ser412=)

Gene: EPOR (erythropoietin receptor; minus strand). Cytogenetic location: 19p13.2.
Variant type: single nucleotide variant.
Coding change: c.1236G>A on transcript NM_000121.4 (MANE Select); coding-DNA position 1236, G replaced by A.
Protein change: p.Ser412=; no amino-acid change (serine 412 retained).
Molecular consequence: synonymous variant. On other transcripts: non-coding transcript variant (1).
Genome position (GRCh38, 1-based): chr19:11,378,275, C>T on the plus strand (G>A on the coding strand, the complement: EPOR is on the minus strand). VCF-style: chr19-11378275-C-T. GRCh37 (hg19) VCF-style: chr19-11488951-C-T.
Identifiers: ClinVar variation 3047378 (VCV003047378.2), dbSNP rs373647199, ClinGen allele CA9210546.